The following is an entry in ClinVar:

NM_000142.5(FGFR3):c.937G>A (p.Gly313Ser)

Gene: FGFR3 (fibroblast growth factor receptor 3; plus strand). Cytogenetic location: 4p16.3.
Variant type: single nucleotide variant.
Coding change: c.937G>A on transcript NM_000142.5 (MANE Select); coding-DNA position 937, G replaced by A.
Protein change: p.Gly313Ser; replaces glycine 313 with serine.
Molecular consequence: missense variant. On other transcripts: non-coding transcript variant (1), intron variant (2).
Genome position (GRCh38, 1-based): chr4:1,803,698, G>A. VCF-style: chr4-1803698-G-A. GRCh37 (hg19) VCF-style: chr4-1805425-G-A.
Other names: c.937G>A, p.Gly313Ser (NM_001354809.2, NM_001354810.2); c.1082-632G>A (NM_001163213.2); c.931-1126G>A (NM_022965.4); short protein forms G313S.
Identifiers: ClinVar variation 3604709 (VCV003604709.2).

ClinVar aggregate classification (germline): Uncertain significance (1 of 4 stars; one submission).

Submission:

Labcorp Genetics (formerly Invitae), Labcorp
Classification: Uncertain significance. Last evaluated: 2024-08-24. Review status: criteria provided, single submitter. Criteria: Invitae Variant Classification Sherloc (09022015). Collection method: clinical testing. Allele origin: germline.
Comment: This sequence change replaces glycine, which is neutral and non-polar, with serine, which is neutral and polar, at codon 313 of the FGFR3 protein (p.Gly313Ser). This variant is present in population databases (no rsID available, gnomAD 0.006%). This variant has not been reported in the literature in individuals affected with FGFR3-related conditions. Invitae Evidence Modeling of protein sequence and biophysical properties (such as structural, functional, and spatial information, amino acid conservation, physicochemical variation, residue mobility, and thermodynamic stability) indicates that this missense variant is not expected to disrupt FGFR3 protein function with a negative predictive value of 95%. In summary, the available evidence is currently insufficient to determine the role of this variant in disease. Therefore, it has been classified as a Variant of Uncertain Significance.